The following is an entry in ClinVar:

NM_001394319.2(SDR42E2):c.1014+42T>C

Gene: SDR42E2 (short chain dehydrogenase/reductase family 42E, member 2). Cytogenetic location: 16p12.2.
Variant type: single nucleotide variant.
Coding change: c.1014+42T>C on transcript NM_001394319.2 (MANE Select); 42 bases into the intron after coding-DNA position 1014, T replaced by C.
Molecular consequence: intron variant.
Genome position (GRCh38, 1-based): chr16:22,186,836, T>C. VCF-style: chr16-22186836-T-C. GRCh37 (hg19) VCF-style: chr16-22198157-T-C.
Other names: c.1626+42T>C (NM_001365288.2).
Identifiers: ClinVar variation 3904866 (VCV003904866.10).
Genomic context (GRCh38, chr16:22,186,836, plus strand): 5'-GCTGCTCACTCGTAGTGAGGTAAGTGGGCTGCTGTTATGGGACCTAGGCCCTGCTCCCCA[T>C]CCCTCCCTTCCTACCTCTCCCCACCATCCCCACTGCTGCCACTCCTTACCCCTTTGACAC-3'

ClinVar aggregate classification (germline): Likely benign (1 of 4 stars; one submission).

Submission:

CeGaT Center for Human Genetics Tuebingen
Classification: Likely benign. Last evaluated: 2025-05-01. Review status: criteria provided, single submitter. Criteria: CeGaT Center For Human Genetics Tuebingen Variant Classification Criteria Version 2. Collection method: clinical testing. Allele origin: germline. Affected: yes. Observed: 1 variant allele.
Comment: SDR42E2: BP4, BP7